The following is an entry in ClinVar:

ClinVar aggregate classification (germline): Uncertain significance (1 of 4 stars; one submission).

Conditions:
Hearing impairment. Also called: Impaired Hearing. Identifiers: MedGen C1384666, MONDO:0005365, HP:0000365.

Submission:

Department of Otolaryngology – Head & Neck Surgery, Cochlear Implant Center
Classification: Uncertain significance for Hearing impairment. Last evaluated: 2021-04-12. Review status: criteria provided, single submitter. Criteria: ClinGen HL ACMG Specifications v1. Collection method: clinical testing. Allele origin: germline. Affected: yes.
Comment: PM2_Moderate, BP4_Supporting

NM_057176.3(BSND):c.254T>C (p.Leu85Pro)

Gene: BSND (barttin CLCNK type accessory subunit beta; plus strand). Cytogenetic location: 1p32.3.
Variant type: single nucleotide variant.
Coding change: c.254T>C on transcript NM_057176.3 (MANE Select); coding-DNA position 254, T replaced by C.
Protein change: p.Leu85Pro; replaces leucine 85 with proline.
Molecular consequence: missense variant.
Genome position (GRCh38, 1-based): chr1:55,005,098, T>C. VCF-style: chr1-55005098-T-C. GRCh37 (hg19) VCF-style: chr1-55470771-T-C.
Other names: short protein forms L85P.
Identifiers: ClinVar variation 1065025 (VCV001065025.3), dbSNP rs2101647654, ClinGen allele CA340471601.